The following is an entry in ClinVar:

ClinVar aggregate classification (germline): Uncertain significance (1 of 4 stars; one submission).

Allele frequency attached by ClinVar (database versions not stated): gnomAD 0.00009.
gnomAD v4.1: 54 of 1,610,930 alleles (0.0034%); highest among the groups gnomAD compares: Middle Eastern, 0.033%; 1 homozygote.

Submission:

Labcorp Genetics (formerly Invitae), Labcorp
Classification: Uncertain significance. Last evaluated: 2023-10-03. Review status: criteria provided, single submitter. Criteria: Invitae Variant Classification Sherloc (09022015). Collection method: clinical testing. Allele origin: germline.
Comment: This sequence change replaces arginine, which is basic and polar, with histidine, which is basic and polar, at codon 325 of the WNT9B protein (p.Arg325His). This variant is present in population databases (rs756619453, gnomAD 0.008%). This missense change has been observed in individual(s) with Mayer-Rokitansky-K‚àö¬∫ster-Hauser syndrome (PMID: 26610373). An algorithm developed to predict the effect of missense changes on protein structure and function (PolyPhen-2) suggests that this variant¬¨‚Ä†is likely to be tolerated. In summary, the available evidence is currently insufficient to determine the role of this variant in disease. Therefore, it has been classified as a Variant of Uncertain Significance.

Literature cited by the submitters: PubMed 26610373.

NM_003396.3(WNT9B):c.974G>A (p.Arg325His)

Genes: WNT9B (Wnt family member 9B; plus strand), LRRC37A2 (leucine rich repeat containing 37 member A2). Cytogenetic location: 17q21.32.
Variant type: single nucleotide variant.
Coding change: c.974G>A on transcript NM_003396.3 (MANE Select); coding-DNA position 974, G replaced by A.
Protein change: p.Arg325His; replaces arginine 325 with histidine.
Molecular consequence: missense variant. On other transcripts: intron variant (1).
Genome position (GRCh38, 1-based): chr17:46,876,618, G>A. VCF-style: chr17-46876618-G-A. GRCh37 (hg19) VCF-style: chr17-44953984-G-A.
Other names: c.904+70G>A (NM_001320458.2); short protein forms R325H.
Identifiers: ClinVar variation 2721252 (VCV002721252.2), dbSNP rs756619453, ClinGen allele CA8621037.
Genomic context (GRCh38, chr17:46,876,618, plus strand): 5'-GCTCCCGGGAGGCCAGCTGCAGCAGCCTGTGCTGCGGGCGGGGCTATGACACCCAGAGCC[G>A]CCTGGTGGCCTTCTCCTGCCACTGCCAGGTGCAGTGGTGCTGCTACGTGGAGTGCCAGCA-3'
Protein context (NP_003387.1, residues 315-335): CCGRGYDTQS[Arg325His]LVAFSCHCQV